The following is an entry in ClinVar:

NM_001384140.1(PCDH15):c.2754dup (p.Met919fs)

Gene: PCDH15 (protocadherin related 15; minus strand). Cytogenetic location: 10q21.1.
Variant type: Duplication.
Coding change: c.2754dup on transcript NM_001384140.1 (MANE Select); coding-DNA position 2754, one base duplicated (T; older notation c.2754dupT).
Protein change: p.Met919fs; shifts the reading frame from methionine 919.
Molecular consequence: frameshift variant.
Genome position (GRCh38, 1-based): chr10:53,995,763, A duplicated on the plus strand (T on the coding strand, the reverse complement: PCDH15 is on the minus strand). VCF-style (leftmost placement, unchanged base first): chr10-53995762-T-TA. GRCh37 (hg19) VCF-style: chr10-55755522-T-TA.
Other names: NM_001384140.1:c.2754dup; c.2769dup, p.Met924fs (NM_001142763.2, NM_001142771.2); c.2754dup, p.Met919fs (NM_001142764.2, NM_001142766.2, NM_001142770.3 and 5 more transcripts); c.2541dup, p.Met848fs (NM_001142765.2); c.2643dup, p.Met882fs (NM_001142767.2); c.2688dup, p.Met897fs (NM_001142768.2, NM_001142773.2, NM_001354404.2); c.2790dup, p.Met931Tyrfs (NM_001142769.4); c.2775dup, p.Met926fs (NM_001354411.2); short protein forms M848fs, M897fs, M919fs, M926fs, M931fs, M882fs, M924fs.
Identifiers: ClinVar variation 2412660 (VCV002412660.1), dbSNP rs1564960443, ClinGen allele CA918677351.

ClinVar aggregate classification (germline): Pathogenic (1 of 4 stars; one submission).

Conditions:
Usher syndrome type 1F (USH1F). Also called: USHER SYNDROME, TYPE IF. Identifiers: Orphanet 231169, Orphanet 886, MedGen C1865885, MONDO:0011186, OMIM 602083.

Allele frequency attached by ClinVar (database versions not stated): gnomAD exomes below 0.00001.

Submission:

Broad Center for Mendelian Genomics, Broad Institute of MIT and Harvard
Classification: Pathogenic for Usher syndrome type 1F. Last evaluated: 2023-01-24. Review status: criteria provided, single submitter. Criteria: ACMG Guidelines, 2015. Collection method: curation. Allele origin: germline. Inheritance: Autosomal recessive inheritance.
Comment: The p.Met919TyrfsTer3 variant in PCDH15 has been reported in 1 individual, in the compound heterozygous state, with Usher syndrome type 1F (PMID: 34416374), and has been identified in 0.0009% (1/112496) of European (non-Finnish) chromosomes by the Genome Aggregation Database (gnomAD). Although this variant has been seen in the general population in a heterozygous state, its frequency is low enough to be consistent with a recessive carrier frequency. This variant is predicted to cause a frameshift, which alters the protein‚Äôs amino acid sequence beginning at position 919 and leads to a premature termination codon 3 amino acids downstream. This alteration is then predicted to lead to a truncated or absent protein. Loss of function of the PCDH15 gene is an established disease mechanism in autosomal recessive Usher syndrome type 1F. In summary, this variant meets criteria to be classified as pathogenic for autosomal recessive Usher syndrome type 1F. ACMG/AMP Criteria applied: PVS1, PM2_supporting, PM3_supporting (Richards 2015).